The following is an entry in ClinVar:

ClinVar aggregate classification (germline): Benign/Likely benign. Review status: criteria provided, multiple submitters, no conflicts (2 of 4 stars). 6 submissions from 6 submitters: Benign (3); Likely benign (3). Last evaluated 2025-08-17.

Conditions:
Familial thoracic aortic aneurysm and aortic dissection (TAAD). Also called: Thoracic aortic aneurysms and dissections. Identifiers: Orphanet 91387, MedGen C4707243, MONDO:0019625.
Aortic aneurysm, familial thoracic 4 (AAT4). Also called: AORTIC ANEURYSM/AORTIC DISSECTION AND PATENT DUCTUS ARTERIOSUS. Identifiers: MedGen C1851504, MONDO:0007568, OMIM 132900.

Allele frequency attached by ClinVar (database versions not stated): gnomAD exomes 0.00001 and 0.00008; gnomAD 0.00007; TOPMed 0.00010; ExAC 0.00014.
gnomAD v4.1: 29 of 1,614,164 alleles (0.0018%); highest among the groups gnomAD compares: East Asian, 0.053%; no homozygotes.

Submissions (6):

Labcorp Genetics (formerly Invitae), Labcorp
Classification: Benign for Aortic aneurysm, familial thoracic 4. Last evaluated: 2025-08-17. Review status: criteria provided, single submitter. Criteria: Invitae Variant Classification Sherloc (09022015). Collection method: clinical testing. Allele origin: germline.

All of Us Research Program, National Institutes of Health
Classification: Benign for Familial thoracic aortic aneurysm and aortic dissection. Last evaluated: 2023-12-01. Review status: criteria provided, single submitter. Criteria: ACMG Guidelines, 2015. Collection method: clinical testing. Allele origin: germline. Inheritance: Autosomal dominant inheritance. Observed: 3 variant alleles, 3 heterozygotes.
Comment: This study involves interpretation of variants in research participants for the purpose of population health screening. Participant phenotype was not available at the time of variant classification. Additional details can be found in publication PMID: 35346344, PMCID: PMC8962531

CHEO Genetics Diagnostic Laboratory, Children's Hospital of Eastern Ontario
Classification: Likely benign for Familial thoracic aortic aneurysm and aortic dissection. Last evaluated: 2023-03-06. Review status: criteria provided, single submitter. Criteria: ACMG Guidelines, 2015. Collection method: clinical testing. Allele origin: germline.

Blueprint Genetics
Classification: Likely benign. Last evaluated: 2021-08-25. Review status: criteria provided, single submitter. Criteria: ACMG Guidelines, 2015. Collection method: clinical testing. Allele origin: germline.

Color Diagnostics, LLC DBA Color Health
Classification: Benign for Familial thoracic aortic aneurysm and aortic dissection. Last evaluated: 2018-11-27. Review status: criteria provided, single submitter. Criteria: ACMG Guidelines, 2015. Collection method: clinical testing. Allele origin: germline.

Ambry Genetics
Classification: Likely benign for Familial thoracic aortic aneurysm and aortic dissection. Last evaluated: 2017-04-06. Review status: criteria provided, single submitter. Criteria: Ambry Variant Classification Scheme 2023. Collection method: clinical testing. Allele origin: germline.

NM_002474.3(MYH11):c.1434C>T (p.Tyr478=)

Gene: MYH11 (myosin heavy chain 11; minus strand). Cytogenetic location: 16p13.11.
Variant type: single nucleotide variant.
Coding change: c.1434C>T on transcript NM_002474.3 (MANE Select); coding-DNA position 1434, C replaced by T.
Protein change: p.Tyr478=; no amino-acid change (tyrosine 478 retained).
Molecular consequence: synonymous variant.
Genome position (GRCh38, 1-based): chr16:15,757,968, G>A on the plus strand (C>T on the coding strand, the complement: MYH11 is on the minus strand). VCF-style: chr16-15757968-G-A. GRCh37 (hg19) VCF-style: chr16-15851825-G-A.
Other names: c.1455C>T, p.Tyr485= (NM_001040113.2, NM_001040114.2); c.1434C>T, p.Tyr478= (NM_022844.3).
Identifiers: ClinVar variation 263397 (VCV000263397.21), dbSNP rs763773359, ClinGen allele CA7922604.